The following is an entry in ClinVar:

ClinVar aggregate classification (germline): Uncertain significance (1 of 4 stars; one submission).

Allele frequency attached by ClinVar (database versions not stated): ExAC 0.00005; gnomAD 0.00006.
gnomAD v4.1: 76 of 1,614,010 alleles (0.0047%); highest among the groups gnomAD compares: East Asian, 0.0067%; no homozygotes.

Submission:

Labcorp Genetics (formerly Invitae), Labcorp
Classification: Uncertain significance. Last evaluated: 2025-12-30. Review status: criteria provided, single submitter. Criteria: Invitae Variant Classification Sherloc (09022015). Collection method: clinical testing. Allele origin: germline.
Comment: This sequence change replaces arginine, which is basic and polar, with cysteine, which is neutral and slightly polar, at codon 935 of the NFKB1 protein (p.Arg935Cys). This variant is present in population databases (rs200653734, gnomAD 0.02%). This variant has not been reported in the literature in individuals affected with NFKB1-related conditions. ClinVar contains an entry for this variant (Variation ID: 1510684). An algorithm developed to predict the effect of missense changes on protein structure and function outputs the following: PolyPhen-2: "Benign". The cysteine amino acid residue is found in multiple mammalian species, which suggests that this missense change does not adversely affect protein function. In summary, the available evidence is currently insufficient to determine the role of this variant in disease. Therefore, it has been classified as a Variant of Uncertain Significance.

NM_003998.4(NFKB1):c.2803C>T (p.Arg935Cys)

Gene: NFKB1 (nuclear factor kappa B subunit 1; plus strand). Cytogenetic location: 4q24.
Variant type: single nucleotide variant.
Coding change: c.2803C>T on transcript NM_003998.4 (MANE Select); coding-DNA position 2803, C replaced by T.
Protein change: p.Arg935Cys; replaces arginine 935 with cysteine.
Molecular consequence: missense variant.
Genome position (GRCh38, 1-based): chr4:102,616,487, C>T. VCF-style: chr4-102616487-C-T. GRCh37 (hg19) VCF-style: chr4-103537644-C-T.
Other names: c.2800C>T, p.Arg934Cys (NM_001165412.2, NM_001319226.2, NM_001382627.1); c.2803C>T, p.Arg935Cys (NM_001382625.1, NM_001382626.1); c.2761C>T, p.Arg921Cys (NM_001382628.1); short protein forms R921C, R935C, R934C.
Identifiers: ClinVar variation 1510684 (VCV001510684.6), dbSNP rs200653734, ClinGen allele CA3026539.